The following is an entry in ClinVar:

ClinVar aggregate classification (germline): Conflicting classifications of pathogenicity. Review status: criteria provided, conflicting classifications (1 of 4 stars). 2 submissions from 2 submitters: Uncertain significance (1); Likely benign (1). Last evaluated 2021-08-10.

Conditions:
Hereditary cancer-predisposing syndrome. Also called: Hereditary neoplastic syndrome; Tumor predisposition; Neoplastic Syndromes, Hereditary; Hereditary Cancer Syndrome. Identifiers: Orphanet 140162, MedGen C0027672, MeSH D009386, MONDO:0015356.

Submissions (2):

Sema4
Classification: Uncertain significance for Hereditary cancer-predisposing syndrome. Last evaluated: 2021-08-10. Review status: criteria provided, single submitter. Criteria: Sema4 Curation Guidelines. Collection method: curation. Allele origin: germline.
Comment: The ALK, c.291G>T (p.P97=) variant has not been reported in the literature to our knowledge. It was not observed in the large and broad cohorts of the Genome Aggregation Database (PMID: 32461654). This variant has not been reported in ClinVar. In silico tools suggest that the variant may have an impact on splicing, though these predictions have not been confirmed by functional studies. The evidence is insufficient to meet ACMG/AMP criteria for classifying the variant as benign or pathogenic. Thus, the clinical significance of this variant is currently uncertain.

Ambry Genetics
Classification: Likely benign for Hereditary cancer-predisposing syndrome. Last evaluated: 2020-03-25. Review status: criteria provided, single submitter. Criteria: Ambry Variant Classification Scheme 2023. Collection method: clinical testing. Allele origin: germline.

NM_004304.5(ALK):c.291G>T (p.Pro97=)

Gene: ALK (ALK receptor tyrosine kinase; minus strand). Cytogenetic location: 2p23.1.
Variant type: single nucleotide variant.
Coding change: c.291G>T on transcript NM_004304.5 (MANE Select); coding-DNA position 291, G replaced by T.
Protein change: p.Pro97=; no amino-acid change (proline 97 retained).
Molecular consequence: synonymous variant.
Genome position (GRCh38, 1-based): chr2:29,920,369, C>A on the plus strand (G>T on the coding strand, the complement: ALK is on the minus strand). VCF-style: chr2-29920369-C-A. GRCh37 (hg19) VCF-style: chr2-30143235-C-A.
Identifiers: ClinVar variation 1692778 (VCV001692778.3), dbSNP rs2148443574, ClinGen allele CA425628122.